The following is an entry in ClinVar:

NM_004371.4(COPA):c.1856A>G (p.Lys619Arg)

Gene: COPA (coat protein complex I subunit alpha; minus strand). Cytogenetic location: 1q23.2.
Variant type: single nucleotide variant.
Coding change: c.1856A>G on transcript NM_004371.4 (MANE Select); coding-DNA position 1856, A replaced by G.
Protein change: p.Lys619Arg; replaces lysine 619 with arginine.
Molecular consequence: missense variant.
Genome position (GRCh38, 1-based): chr1:160,298,966, T>C on the plus strand (A>G on the coding strand, the complement: COPA is on the minus strand). VCF-style: chr1-160298966-T-C. GRCh37 (hg19) VCF-style: chr1-160268756-T-C.
Other names: c.1883A>G, p.Lys628Arg (NM_001098398.2); short protein forms K619R, K628R.
Identifiers: ClinVar variation 4773888 (VCV004773888.1).

ClinVar aggregate classification (germline): Uncertain significance (1 of 4 stars; one submission).

Conditions:
Autoimmune interstitial lung disease-arthritis syndrome. Also called: Autoinflammation and autoimmunity, systemic, with immune dysregulation. Identifiers: Orphanet 444092, MedGen C5975714, MONDO:0014629.

gnomAD v4.1: 12 of 1,614,122 alleles (0.00074%); highest among the groups gnomAD compares: Non-Finnish European, 0.001%; no homozygotes.

Submission:

Labcorp Genetics (formerly Invitae), Labcorp
Classification: Uncertain significance for Autoimmune interstitial lung disease-arthritis syndrome. Last evaluated: 2025-11-23. Review status: criteria provided, single submitter. Criteria: Invitae Variant Classification Sherloc (09022015). Collection method: clinical testing. Allele origin: germline.
Comment: This sequence change replaces lysine, which is basic and polar, with arginine, which is basic and polar, at codon 619 of the COPA protein (p.Lys619Arg). This variant is not present in population databases (gnomAD no frequency). This variant has not been reported in the literature in individuals affected with COPA-related conditions. Invitae Evidence Modeling of protein sequence and biophysical properties (such as structural, functional, and spatial information, amino acid conservation, physicochemical variation, residue mobility, and thermodynamic stability) indicates that this missense variant is not expected to disrupt COPA protein function with a negative predictive value of 80%. In summary, the available evidence is currently insufficient to determine the role of this variant in disease. Therefore, it has been classified as a Variant of Uncertain Significance.